The following is an entry in ClinVar:

NM_024675.4(PALB2):c.541G>C (p.Glu181Gln)

Gene: PALB2 (partner and localizer of BRCA2; minus strand). Cytogenetic location: 16p12.2.
Variant type: single nucleotide variant.
Coding change: c.541G>C on transcript NM_024675.4 (MANE Select); coding-DNA position 541, G replaced by C.
Protein change: p.Glu181Gln; replaces glutamic acid 181 with glutamine.
Molecular consequence: missense variant.
Genome position (GRCh38, 1-based): chr16:23,636,005, C>G on the plus strand (G>C on the coding strand, the complement: PALB2 is on the minus strand). VCF-style: chr16-23636005-C-G. GRCh37 (hg19) VCF-style: chr16-23647326-C-G.
Other names: short protein forms E181Q.
Identifiers: ClinVar variation 219855 (VCV000219855.13), dbSNP rs864622280, ClinGen allele CA349694.
Genomic context (GRCh38, chr16:23,636,005, plus strand): 5'-TTAAAAGGTGAGTTCTTATTTCAGTTACTGGTGATCTAGCAGGATTTTTGCTACTGATTT[C>G]TTCCTGTTCCTTTAGTCTTTTCCCAGACAATCTGAGTGAATCAGTGCCAAAGACACAGTC-3'
Protein context (NP_078951.2, residues 171-191): LSGKRLKEQE[Glu181Gln]ISSKNPARSP

ClinVar aggregate classification (germline): Conflicting classifications of pathogenicity. Review status: criteria provided, conflicting classifications (1 of 4 stars). 4 submissions from 4 submitters: Uncertain significance (3); Likely benign (1). Last evaluated 2026-04-07.

Conditions:
Familial cancer of breast. Also called: hereditary breast carcinoma; BREAST CANCER, FAMILIAL; Hereditary breast cancer. Identifiers: Orphanet 227535, MedGen C0346153, MONDO:0016419, OMIM 114480. Disease mechanism: loss of function.
Fanconi anemia complementation group N. Also called: PALB2-Related Fanconi Anemia. Identifiers: Orphanet 84, MedGen C1835817, MONDO:0012565, OMIM 610832. Disease mechanism: loss of function.
Pancreatic cancer, susceptibility to, 3. Identifiers: Orphanet 1333, MedGen C3150547, MONDO:0013236, OMIM 613348.
Hereditary cancer-predisposing syndrome. Also called: Neoplastic Syndromes, Hereditary; Hereditary Cancer Syndrome; Tumor predisposition; Hereditary neoplastic syndrome. Identifiers: Orphanet 140162, MedGen C0027672, MeSH D009386, MONDO:0015356.

Allele frequency attached by ClinVar (database versions not stated): gnomAD exomes 0.00001.
gnomAD v4.1: 5 of 1,614,112 alleles (0.00031%); highest among the groups gnomAD compares: South Asian, 0.0055%; no homozygotes.

Submissions (4):

Ambry Genetics
Classification: Likely benign for Hereditary cancer-predisposing syndrome. Last evaluated: 2026-04-07. Review status: criteria provided, single submitter. Criteria: Ambry Variant Classification Scheme 2023. Collection method: clinical testing. Allele origin: germline.

Fulgent Genetics
Classification: Uncertain significance for Familial cancer of breast; Fanconi anemia complementation group N; Pancreatic cancer, susceptibility to, 3. Last evaluated: 2022-02-15. Review status: criteria provided, single submitter. Criteria: ACMG Guidelines, 2015. Collection method: clinical testing. Allele origin: unknown.

Color Diagnostics, LLC DBA Color Health
Classification: Uncertain significance for Hereditary cancer-predisposing syndrome. Last evaluated: 2019-01-18. Review status: criteria provided, single submitter. Criteria: ACMG Guidelines, 2015. Collection method: clinical testing. Allele origin: germline.

Labcorp Genetics (formerly Invitae), Labcorp
Classification: Uncertain significance for Familial cancer of breast. Last evaluated: 2015-08-15. Review status: criteria provided, single submitter. Criteria: Invitae Variant Classification Sherloc (09022015). Collection method: clinical testing. Allele origin: germline.
Comment: Algorithms developed to predict the effect of missense changes on protein structure and function do not agree on the potential impact of this missense change (SIFT: "tolerated"; PolyPhen-2: "Possibly Damaging"; Align-GVGD: "Class C0"). In summary, this is a novel missense change with uncertain impact on protein function. It has been classified as a Variant of Uncertain Significance. This variant is not present in population databases and has not been published in the literature. This sequence change replaces glutamic acid with glutamine at codon 181 of the PALB2 protein (p.Glu181Gln). The glutamic acid residue is moderately conserved and there is a small physicochemical difference between glutamic acid and glutamine.